The following is an entry in ClinVar:

ClinVar aggregate classification (germline): Uncertain significance. Review status: criteria provided, multiple submitters, no conflicts (2 of 4 stars). 3 submissions from 3 submitters: Uncertain significance (3). Last evaluated 2025-09-21.

gnomAD v4.1: 65 of 1,589,798 alleles (0.0041%); highest among the groups gnomAD compares: Non-Finnish European, 0.0049%; no homozygotes.

Submissions (3):

Ambry Genetics
Classification: Uncertain significance. Last evaluated: 2025-09-21. Review status: criteria provided, single submitter. Criteria: Ambry Variant Classification Scheme 2023. Collection method: clinical testing. Allele origin: germline.

Labcorp Genetics (formerly Invitae), Labcorp
Classification: Uncertain significance. Last evaluated: 2023-09-27. Review status: criteria provided, single submitter. Criteria: Invitae Variant Classification Sherloc (09022015). Collection method: clinical testing. Allele origin: germline.
Comment: This sequence change replaces alanine, which is neutral and non-polar, with glutamic acid, which is acidic and polar, at codon 1128 of the NUP133 protein (p.Ala1128Glu). This variant is present in population databases (rs760355146, gnomAD 0.009%). This variant has not been reported in the literature in individuals affected with NUP133-related conditions. An algorithm developed to predict the effect of missense changes on protein structure and function (PolyPhen-2) suggests that this variant is likely to be tolerated. In summary, the available evidence is currently insufficient to determine the role of this variant in disease. Therefore, it has been classified as a Variant of Uncertain Significance.

CeGaT Center for Human Genetics Tuebingen
Classification: Uncertain significance. Last evaluated: 2023-09-01. Review status: criteria provided, single submitter. Criteria: CeGaT Center For Human Genetics Tuebingen Variant Classification Criteria Version 2. Collection method: clinical testing. Allele origin: germline. Affected: yes. Observed: 1 variant allele.
Comment: NUP133: PM2, BP4

NM_018230.3(NUP133):c.3383C>A (p.Ala1128Glu)

Gene: NUP133 (nucleoporin 133; minus strand). Cytogenetic location: 1q42.13.
Variant type: single nucleotide variant.
Coding change: c.3383C>A on transcript NM_018230.3 (MANE Select); coding-DNA position 3383, C replaced by A.
Protein change: p.Ala1128Glu; replaces alanine 1128 with glutamic acid.
Molecular consequence: missense variant.
Genome position (GRCh38, 1-based): chr1:229,441,992, G>T on the plus strand (C>A on the coding strand, the complement: NUP133 is on the minus strand). VCF-style: chr1-229441992-G-T. GRCh37 (hg19) VCF-style: chr1-229577739-G-T.
Other names: c.3383C>A (NM_018230.2); short protein forms A1128E.
Identifiers: ClinVar variation 2582872 (VCV002582872.28), dbSNP rs760355146, ClinGen allele CA1443007.